The following is an entry in ClinVar:

ClinVar aggregate classification (germline): Uncertain significance (1 of 4 stars; one submission).

Conditions:
Kabuki syndrome. Also called: NIIKAWA-KUROKI SYNDROME; Kabuki make-up syndrome. Identifiers: Orphanet 2322, MedGen C0796004, MONDO:0016512.

gnomAD v4.1: 5 of 1,559,836 alleles (0.00032%); highest among the groups gnomAD compares: Non-Finnish European, 0.00043%; no homozygotes.

Submission:

Labcorp Genetics (formerly Invitae), Labcorp
Classification: Uncertain significance for Kabuki syndrome. Last evaluated: 2025-07-14. Review status: criteria provided, single submitter. Criteria: Invitae Variant Classification Sherloc (09022015). Collection method: clinical testing. Allele origin: germline.
Comment: This sequence change replaces alanine, which is neutral and non-polar, with serine, which is neutral and polar, at codon 3618 of the KMT2D protein (p.Ala3618Ser). This variant is not present in population databases (gnomAD no frequency). This variant has not been reported in the literature in individuals affected with KMT2D-related conditions. ClinVar contains an entry for this variant (Variation ID: 2995273). Invitae Evidence Modeling of protein sequence and biophysical properties (such as structural, functional, and spatial information, amino acid conservation, physicochemical variation, residue mobility, and thermodynamic stability) indicates that this missense variant is not expected to disrupt KMT2D protein function with a negative predictive value of 95%. In summary, the available evidence is currently insufficient to determine the role of this variant in disease. Therefore, it has been classified as a Variant of Uncertain Significance.

NM_003482.4(KMT2D):c.10852G>T (p.Ala3618Ser)

Gene: KMT2D (lysine methyltransferase 2D; minus strand). Cytogenetic location: 12q13.12.
Variant type: single nucleotide variant.
Coding change: c.10852G>T on transcript NM_003482.4 (MANE Select); coding-DNA position 10852, G replaced by T.
Protein change: p.Ala3618Ser; replaces alanine 3618 with serine.
Molecular consequence: missense variant.
Genome position (GRCh38, 1-based): chr12:49,033,853, C>A on the plus strand (G>T on the coding strand, the complement: KMT2D is on the minus strand). VCF-style: chr12-49033853-C-A. GRCh37 (hg19) VCF-style: chr12-49427636-C-A.
Other names: short protein forms A3618S.
Identifiers: ClinVar variation 2995273 (VCV002995273.3), dbSNP rs2120447844, ClinGen allele CA384725602.